The following is an entry in ClinVar:

ClinVar aggregate classification (germline): Uncertain significance/VUS-mid. Review status: criteria provided, multiple submitters, no conflicts (2 of 4 stars). 2 submissions from 2 submitters: Uncertain significance (1); VUS-mid (1). Last evaluated 2026-04-22.

Conditions:
Focal segmental glomerulosclerosis 5 (FSGS5). Identifiers: Orphanet 656, MedGen C2750475, MONDO:0013191, OMIM 613237.
Charcot-Marie-Tooth disease dominant intermediate E. Also called: CHARCOT-MARIE-TOOTH NEUROPATHY WITH FOCAL SEGMENTAL GLOMERULONEPHRITIS. Identifiers: Orphanet 93114, MedGen C4302667, MONDO:0013758, OMIM 614455.

gnomAD v4.1: 10 of 1,612,418 alleles (0.00062%); highest among the groups gnomAD compares: South Asian, 0.011%; no homozygotes.

Submissions (2):

Centre for Medical Genetics,  Mumbai
Classification: VUS-mid for Focal segmental glomerulosclerosis 5. Last evaluated: 2026-04-22. Review status: criteria provided, single submitter. Criteria: ACMG Guidelines, 2015. Collection method: provider interpretation. Allele origin: germline. Inheritance: Autosomal dominant inheritance. Affected: yes. Observed: 1 variant allele, 1 heterozygote.
Comment: The variant satisfies PM2 criteria - extremely low frequency in gnomAD population databases. The variant satisfies BP4 criteria - for a missense or a splice region variant, computational prediction tools unanimously support a benign effect on the gene. However, due to lack of sufficient clinical evidence, the variant should be considered as a variant of uncertain significance (mid-VUS).

Fulgent Genetics
Classification: Uncertain significance for Focal segmental glomerulosclerosis 5; Charcot-Marie-Tooth disease dominant intermediate E. Last evaluated: 2024-03-08. Review status: criteria provided, single submitter. Criteria: ACMG Guidelines, 2015. Collection method: clinical testing. Allele origin: germline.

Literature cited by the submitters: PubMed 20023659 (cited by Centre for Medical Genetics,  Mumbai).

NM_022489.4(INF2):c.1768C>G (p.Pro590Ala)

Gene: INF2 (inverted formin 2; plus strand). Cytogenetic location: 14q32.33.
Variant type: single nucleotide variant.
Coding change: c.1768C>G on transcript NM_022489.4 (MANE Select); coding-DNA position 1768, C replaced by G.
Protein change: p.Pro590Ala; replaces proline 590 with alanine.
Molecular consequence: missense variant. On other transcripts: non-coding transcript variant (1).
Genome position (GRCh38, 1-based): chr14:104,708,468, C>G. VCF-style: chr14-104708468-C-G. GRCh37 (hg19) VCF-style: chr14-105174805-C-G.
Other names: c.1768C>G, p.Pro590Ala (NM_001031714.4, NM_001426862.1, NM_001426863.1 and 2 more transcripts); short protein forms P590A.
Identifiers: ClinVar variation 3576453 (VCV003576453.2).